The following is an entry in ClinVar:

NM_021254.4(CFAP298):c.436C>T (p.Leu146Phe)

Genes: CFAP298 (cilia and flagella associated protein 298; minus strand), CFAP298-TCP10L (CFAP298-TCP10L readthrough; minus strand). Cytogenetic location: 21q22.11.
Variant type: single nucleotide variant.
Coding change: c.436C>T on transcript NM_021254.4 (MANE Select); coding-DNA position 436, C replaced by T.
Protein change: p.Leu146Phe; replaces leucine 146 with phenylalanine.
Molecular consequence: missense variant. On other transcripts: non-coding transcript variant (2).
Genome position (GRCh38, 1-based): chr21:32,604,223, G>A on the plus strand (C>T on the coding strand, the complement: CFAP298 is on the minus strand). VCF-style: chr21-32604223-G-A. GRCh37 (hg19) VCF-style: chr21-33976533-G-A.
Other names: c.436C>T, p.Leu146Phe (NM_001350338.2, NM_001350335.2, NM_001350336.2 and 1 more transcripts); c.139C>T, p.Leu47Phe (NM_001350334.2); short protein forms L146F, L47F.
Identifiers: ClinVar variation 2017577 (VCV002017577.4), dbSNP rs2517194227, ClinGen allele CA410074508.

ClinVar aggregate classification (germline): Uncertain significance (1 of 4 stars; one submission).

Submission:

Labcorp Genetics (formerly Invitae), Labcorp
Classification: Uncertain significance. Last evaluated: 2022-08-30. Review status: criteria provided, single submitter. Criteria: Invitae Variant Classification Sherloc (09022015). Collection method: clinical testing. Allele origin: germline.
Comment: In summary, the available evidence is currently insufficient to determine the role of this variant in disease. Therefore, it has been classified as a Variant of Uncertain Significance. Algorithms developed to predict the effect of missense changes on protein structure and function are either unavailable or do not agree on the potential impact of this missense change (SIFT: "Deleterious"; PolyPhen-2: "Possibly Damaging"; Align-GVGD: "Class C15"). This variant has not been reported in the literature in individuals affected with CFAP298-related conditions. This variant is not present in population databases (gnomAD no frequency). This sequence change replaces leucine, which is neutral and non-polar, with phenylalanine, which is neutral and non-polar, at codon 146 of the CFAP298 protein (p.Leu146Phe).